The following is an entry in ClinVar:

NC_000017.10:g.(?_29490395)_(29491750_?)del

Gene: NF1 (neurofibromin 1; plus strand). Cytogenetic location: 17q11.2.
Variant type: Deletion.
Identifiers: ClinVar variation 3242888 (VCV003242888.1).

ClinVar aggregate classification (germline): Likely pathogenic (1 of 4 stars; one submission).

Conditions:
Neurofibromatosis, type 1 (NF1). Also called: VON RECKLINGHAUSEN DISEASE; Neurofibromatosis, type I; Peripheral type neurofibromatosis; NEUROFIBROMATOSIS, TYPE I, SOMATIC. Identifiers: Orphanet 636, MedGen C0027831, MONDO:0018975, OMIM 162200. Disease mechanism: loss of function.

Submission:

Labcorp Genetics (formerly Invitae), Labcorp
Classification: Likely pathogenic for Neurofibromatosis, type 1. Last evaluated: 2019-11-09. Review status: criteria provided, single submitter. Criteria: Invitae Variant Classification Sherloc (09022015). Collection method: clinical testing. Allele origin: unknown.
Comment: In summary, the currently available evidence indicates that the variant is pathogenic, but additional data are needed to prove that conclusively. Therefore, this variant has been classified as Likely Pathogenic. Donor and acceptor splice site variants typically lead to a loss of protein function (PMID: 16199547), and loss-of-function variants in NF1 are known to be pathogenic (PMID: 10712197, 23913538). Algorithms developed to predict the effect of sequence changes on RNA splicing suggest that this variant may disrupt the consensus splice site, but this prediction has not been confirmed by published transcriptional studies. This variant is not present in population databases (ExAC no frequency). This sequence change affects a donor splice site in intron 4 of the NF1 gene. It is expected to disrupt RNA splicing and likely results in an absent or disrupted protein product.

Literature cited by the submitters: PubMed 16199547; PubMed 10712197; PubMed 23913538.